The following is an entry in ClinVar:

ClinVar aggregate classification (germline): Uncertain significance. Review status: criteria provided, multiple submitters, no conflicts (2 of 4 stars). 5 submissions from 5 submitters: Uncertain significance (5). Last evaluated 2026-04-13.

Conditions:
Arrhythmogenic right ventricular dysplasia 2. Identifiers: MedGen C1832931.
Catecholaminergic polymorphic ventricular tachycardia 1. Also called: VENTRICULAR TACHYCARDIA, STRESS-INDUCED POLYMORPHIC 1; VENTRICULAR TACHYCARDIA, CATECHOLAMINERGIC POLYMORPHIC, 1, WITH OR WITHOUT ATRIAL DYSFUNCTION AND/OR DILATED CARDIOMYOPATHY; RYR2-Related Catecholaminergic Polymorphic Ventricular Tachycardia. Identifiers: Orphanet 3286, MedGen C1631597, MONDO:0011484, OMIM 604772.
Ventricular arrhythmias due to cardiac ryanodine receptor calcium release deficiency syndrome. Also called: Autosomal dominant cardiac arrhythmia (Kuhn). Identifiers: MedGen C5542154, MONDO:0020745, OMIM 115000.
Cardiovascular phenotype. Identifiers: MedGen CN230736.
Catecholaminergic polymorphic ventricular tachycardia (CVPT). Also called: Catecholamine-induced polymorphic ventricular tachycardia. Identifiers: Orphanet 3286, MedGen C5574922, MONDO:0017990.
Cardiomyopathy (CMYO). Also called: Cardiomyopathies. Identifiers: Orphanet 167848, MedGen C0878544, MONDO:0004994, HP:0001638. Inheritance: Various modes of inheritance.

Allele frequency attached by ClinVar (database versions not stated): gnomAD exomes below 0.00001 and 0.00001; ExAC 0.00001; TOPMed 0.00001.
gnomAD v4.1: 12 of 1,614,012 alleles (0.00074%); highest among the groups gnomAD compares: East Asian, 0.0022%; no homozygotes.

Submissions (5):

Ambry Genetics
Classification: Uncertain significance for Cardiovascular phenotype. Last evaluated: 2026-04-13. Review status: criteria provided, single submitter. Criteria: Ambry Variant Classification Scheme 2023. Collection method: clinical testing. Allele origin: germline.
Comment: The p.D785N variant (also known as c.2353G>A), located in coding exon 21 of the RYR2 gene, results from a G to A substitution at nucleotide position 2353. The aspartic acid at codon 785 is replaced by asparagine, an amino acid with highly similar properties. This variant was reported in an individual with childhood epilepsy (Ma MG et al. Front Neurosci, 2021 Apr;15:629610). This amino acid position is highly conserved in available vertebrate species. In addition, this alteration is predicted to be tolerated by in silico analysis. Based on the available evidence, the clinical significance of this variant remains unclear.

Color Diagnostics, LLC DBA Color Health
Classification: Uncertain significance for Cardiomyopathy. Last evaluated: 2025-06-20. Review status: criteria provided, single submitter. Criteria: ACMG Guidelines, 2015. Collection method: clinical testing. Allele origin: germline.
Comment: This missense variant replaces aspartic acid with asparagine at codon 785 of the RYR2 protein. Computational prediction suggests that this variant may not impact protein structure and function. To our knowledge, functional studies have not been reported for this variant. This variant has been reported in an individual affected with epilepsy (PMID: 33897349). This variant has been identified in 1/249288 chromosomes in the general population by the Genome Aggregation Database (gnomAD). The available evidence is insufficient to determine the role of this variant in disease conclusively. Therefore, this variant is classified as a Variant of Uncertain Significance.

Labcorp Genetics (formerly Invitae), Labcorp
Classification: Uncertain significance for Catecholaminergic polymorphic ventricular tachycardia 1. Last evaluated: 2024-08-15. Review status: criteria provided, single submitter. Criteria: Invitae Variant Classification Sherloc (09022015). Collection method: clinical testing. Allele origin: germline.
Comment: This sequence change replaces aspartic acid, which is acidic and polar, with asparagine, which is neutral and polar, at codon 785 of the RYR2 protein (p.Asp785Asn). This variant is present in population databases (rs774486571, gnomAD 0.003%). This missense change has been observed in individual(s) with epilepsy (PMID: 33897349). ClinVar contains an entry for this variant (Variation ID: 918690). Invitae Evidence Modeling of protein sequence and biophysical properties (such as structural, functional, and spatial information, amino acid conservation, physicochemical variation, residue mobility, and thermodynamic stability) indicates that this missense variant is not expected to disrupt RYR2 protein function with a negative predictive value of 95%. In summary, the available evidence is currently insufficient to determine the role of this variant in disease. Therefore, it has been classified as a Variant of Uncertain Significance.

All of Us Research Program, National Institutes of Health
Classification: Uncertain significance for Catecholaminergic polymorphic ventricular tachycardia. Last evaluated: 2024-02-05. Review status: criteria provided, single submitter. Criteria: ACMG Guidelines, 2015. Collection method: clinical testing. Allele origin: germline. Inheritance: Autosomal dominant inheritance. Observed: 6 variant alleles, 6 heterozygotes.
Comment: This missense variant replaces aspartic acid with asparagine at codon 785 of the RYR2 protein. Computational prediction suggests that this variant may not impact protein structure and function (internally defined REVEL score threshold <= 0.5, PMID: 27666373). To our knowledge, functional studies have not been reported for this variant. This variant has been reported in an individual affected with epilepsy (PMID: 33897349). This variant has been identified in 1/249288 chromosomes in the general population by the Genome Aggregation Database (gnomAD). The available evidence is insufficient to determine the role of this variant in disease conclusively. Therefore, this variant is classified as a Variant of Uncertain Significance.

This study involves interpretation of variants in research participants for the purpose of population health screening. Participant phenotype was not available at the time of variant classification. Additional details can be found in publication PMID: 35346344, PMCID: PMC8962531

Fulgent Genetics
Classification: Uncertain significance for Ventricular arrhythmias due to cardiac ryanodine receptor calcium release deficiency syndrome; Catecholaminergic polymorphic ventricular tachycardia 1. Last evaluated: 2021-10-29. Review status: criteria provided, single submitter. Criteria: ACMG Guidelines, 2015. Collection method: clinical testing. Allele origin: unknown.

Literature cited by the submitters: PubMed 33897349 (cited by 4 submitters).

NM_001035.3(RYR2):c.2353G>A (p.Asp785Asn)

Gene: RYR2 (ryanodine receptor 2; plus strand). Cytogenetic location: 1q43.
Variant type: single nucleotide variant.
Coding change: c.2353G>A on transcript NM_001035.3 (MANE Select); coding-DNA position 2353, G replaced by A.
Protein change: p.Asp785Asn; replaces aspartic acid 785 with asparagine.
Molecular consequence: missense variant.
Genome position (GRCh38, 1-based): chr1:237,500,860, G>A. VCF-style: chr1-237500860-G-A. GRCh37 (hg19) VCF-style: chr1-237664160-G-A.
Other names: short protein forms D785N.
Identifiers: ClinVar variation 918690 (VCV000918690.17), dbSNP rs774486571, ClinGen allele CA086018.